The following is an entry in ClinVar:

ClinVar aggregate classification (germline): Pathogenic (1 of 4 stars; one submission).

Submission:

Labcorp Genetics (formerly Invitae), Labcorp
Classification: Pathogenic. Last evaluated: 2021-12-30. Review status: criteria provided, single submitter. Criteria: Invitae Variant Classification Sherloc (09022015). Collection method: clinical testing. Allele origin: germline.
Comment: For these reasons, this variant has been classified as Pathogenic. This variant has not been reported in the literature in individuals affected with RTTN-related conditions. This variant is not present in population databases (gnomAD no frequency). This sequence change creates a premature translational stop signal (p.Thr1656Asnfs*17) in the RTTN gene. It is expected to result in an absent or disrupted protein product. Loss-of-function variants in RTTN are known to be pathogenic (PMID: 26608784, 26846091).

Literature cited by the submitters: PubMed 26608784; PubMed 26846091.

NM_173630.4(RTTN):c.4966dup (p.Thr1656fs)

Gene: RTTN (rotatin; minus strand). Cytogenetic location: 18q22.2.
Variant type: Duplication.
Coding change: c.4966dup on transcript NM_173630.4 (MANE Select); coding-DNA position 4966, one base duplicated (A; older notation c.4966dupA).
Protein change: p.Thr1656fs; shifts the reading frame from threonine 1656.
Molecular consequence: frameshift variant.
Genome position (GRCh38, 1-based): chr18:70,057,807, T duplicated on the plus strand (A on the coding strand, the reverse complement: RTTN is on the minus strand). VCF-style (leftmost placement, unchanged base first): chr18-70057806-G-GT. GRCh37 (hg19) VCF-style: chr18-67725042-G-GT.
Other names: c.2230dup, p.Thr744fs (NM_001318520.2); short protein forms T1656fs, T744fs.
Identifiers: ClinVar variation 2066689 (VCV002066689.4), dbSNP rs2512026606, ClinGen allele CA2580095998.